The following is an entry in ClinVar:

ClinVar aggregate classification (germline): Uncertain significance (1 of 4 stars; one submission).

gnomAD v4.1: 1 of 1,611,348 alleles (0.000062%); highest among the groups gnomAD compares: Non-Finnish European, 0.000085%; no homozygotes.

Submission:

GeneDx
Classification: Uncertain significance. Last evaluated: 2023-10-31. Review status: criteria provided, single submitter. Criteria: GeneDx Variant Classification Process June 2021. Collection method: clinical testing. Allele origin: germline. Affected: yes.
Comment: Not observed at significant frequency in large population cohorts (gnomAD); In silico analysis supports that this missense variant does not alter protein structure/function; Has not been previously published as pathogenic or benign to our knowledge

NM_017934.7(PHIP):c.3454C>G (p.Leu1152Val)

Genes: IRAK1BP1 (interleukin 1 receptor associated kinase 1 binding protein 1; plus strand), PHIP (pleckstrin homology domain interacting protein; minus strand). Cytogenetic location: 6q14.1.
Variant type: single nucleotide variant.
Coding change: c.3454C>G on transcript NM_017934.7 (MANE Select); coding-DNA position 3454, C replaced by G.
Protein change: p.Leu1152Val; replaces leucine 1152 with valine.
Molecular consequence: missense variant.
Genome position (GRCh38, 1-based): chr6:78,963,178, G>C on the plus strand (C>G on the coding strand, the complement: PHIP is on the minus strand). VCF-style: chr6-78963178-G-C. GRCh37 (hg19) VCF-style: chr6-79672895-G-C.
Other names: short protein forms L1152V.
Identifiers: ClinVar variation 3363657 (VCV003363657.1).
Genomic context (GRCh38, chr6:78,963,178, plus strand): 5'-TTCCTGCCACAATTCTTTCACATTCTTCATCCCTGGGATTGGTACCCCATTCTCCATCAA[G>C]AGGTTTATAGATTAGTGATCTGCACTCACCATCAGTTAAAGGAACACTGGTACCTAGTTC-3'
Protein context (NP_060404.4, residues 1142-1162): GECRSLIYKP[Leu1152Val]DGEWGTNPRD